The following is an entry in ClinVar:

NM_001206999.2(CIT):c.5772G>A (p.Ala1924=)

Gene: CIT (citron rho-interacting serine/threonine kinase; minus strand). Cytogenetic location: 12q24.23.
Variant type: single nucleotide variant.
Coding change: c.5772G>A on transcript NM_001206999.2 (MANE Select); coding-DNA position 5772, G replaced by A.
Protein change: p.Ala1924=; no amino-acid change (alanine 1924 retained).
Molecular consequence: synonymous variant.
Genome position (GRCh38, 1-based): chr12:119,697,769, C>T on the plus strand (G>A on the coding strand, the complement: CIT is on the minus strand). VCF-style: chr12-119697769-C-T. GRCh37 (hg19) VCF-style: chr12-120135574-C-T.
Other names: c.5646G>A, p.Ala1882= (NM_007174.3).
Identifiers: ClinVar variation 2643383 (VCV002643383.24), dbSNP rs764674171, ClinGen allele CA6820719.
Genomic context (GRCh38, chr12:119,697,769, plus strand): 5'-GAGGTTTCCCTTGCAGCAAATGACCCTTAATTTATCCTGGTATGAGGACGCCAAGTAAAT[C>T]GCTCCTGAGGAAATGGCAGGGCCCAGGTAGCGCGGGTTCGGGATGTCCAGGTACGCTCGG-3'
Protein context (NP_001193928.1, residues 1914-1934): RYLGPAISSG[Ala1924=]IYLASSYQDK

ClinVar aggregate classification (germline): Likely benign (1 of 4 stars; one submission).

Allele frequency attached by ClinVar (database versions not stated): ExAC 0.00002.
gnomAD v4.1: 29 of 1,614,142 alleles (0.0018%); highest among the groups gnomAD compares: Admixed American, 0.0083%; no homozygotes.

Submission:

CeGaT Center for Human Genetics Tuebingen
Classification: Likely benign. Last evaluated: 2023-03-01. Review status: criteria provided, single submitter. Criteria: CeGaT Center For Human Genetics Tuebingen Variant Classification Criteria Version 2. Collection method: clinical testing. Allele origin: germline. Affected: yes. Observed: 1 variant allele.
Comment: CIT: BP4, BP7